The following is an entry in ClinVar:

NM_017636.4(TRPM4):c.827T>C (p.Leu276Pro)

Gene: TRPM4 (transient receptor potential cation channel subfamily M member 4; plus strand). Cytogenetic location: 19q13.33.
Variant type: single nucleotide variant.
Coding change: c.827T>C on transcript NM_017636.4 (MANE Select); coding-DNA position 827, T replaced by C.
Protein change: p.Leu276Pro; replaces leucine 276 with proline.
Molecular consequence: missense variant. On other transcripts: 5 prime UTR variant (2).
Genome position (GRCh38, 1-based): chr19:49,171,387, T>C. VCF-style: chr19-49171387-T-C. GRCh37 (hg19) VCF-style: chr19-49674644-T-C.
Other names: c.827T>C, p.Leu276Pro (NM_001195227.2); c.482T>C, p.Leu161Pro (NM_001321281.2); c.-727T>C (NM_001321282.2); c.305T>C, p.Leu102Pro (NM_001321283.2); c.-23T>C (NM_001321285.2); short protein forms L276P, L161P, L102P.
Identifiers: ClinVar variation 1762728 (VCV001762728.2), dbSNP rs567594620, ClinGen allele CA9568973.

ClinVar aggregate classification (germline): Uncertain significance (1 of 4 stars; one submission).

Conditions:
Cardiovascular phenotype. Identifiers: MedGen CN230736.

Allele frequency attached by ClinVar (database versions not stated): ExAC 0.00001; gnomAD 0.00001; 1000 Genomes Project 30x 0.00016; 1000 Genomes Project 0.00020.
gnomAD v4.1: 1 of 1,614,004 alleles (0.000062%); highest among the groups gnomAD compares: African/African-American, 0.0013%; no homozygotes.

Submission:

Ambry Genetics
Classification: Uncertain significance for Cardiovascular phenotype. Last evaluated: 2022-03-06. Review status: criteria provided, single submitter. Criteria: Ambry Variant Classification Scheme 2023. Collection method: clinical testing. Allele origin: germline.
Comment: The p.L276P variant (also known as c.827T>C), located in coding exon 7 of the TRPM4 gene, results from a T to C substitution at nucleotide position 827. The leucine at codon 276 is replaced by proline, an amino acid with similar properties. This amino acid position is conserved. In addition, the in silico prediction for this alteration is inconclusive. Since supporting evidence is limited at this time, the clinical significance of this alteration remains unclear.